The following is an entry in ClinVar:

NM_018990.4(SASH3):c.505C>T (p.Gln169Ter)

Gene: SASH3 (SAM and SH3 domain containing 3; plus strand). Cytogenetic location: Xq26.1.
Variant type: single nucleotide variant.
Coding change: c.505C>T on transcript NM_018990.4 (MANE Select); coding-DNA position 505, C replaced by T.
Protein change: p.Gln169Ter; replaces glutamine 169 with a stop codon.
Molecular consequence: nonsense.
Genome position (GRCh38, 1-based): chrX:129,792,390, C>T. VCF-style: chrX-129792390-C-T. GRCh37 (hg19) VCF-style: chrX-128926366-C-T.
Other names: Q169*.
Identifiers: ClinVar variation 1687737 (VCV001687737.2), dbSNP rs2124082775, ClinGen allele CA414562730.

ClinVar aggregate classification (germline): Likely pathogenic. Review status: criteria provided, single submitter (1 of 4 stars). 2 submissions from 2 submitters: Likely pathogenic (1). 1 of the submissions does not count toward it. Last evaluated 2024-12-20.

Conditions:
Immunodeficiency 102. Identifiers: Orphanet 653751, MedGen C5676886, MONDO:0024781, OMIM 301082.

Submissions (2):

Laboratorio de Genetica e Diagnostico Molecular, Hospital Israelita Albert Einstein
Classification: Likely pathogenic for Immunodeficiency 102. Last evaluated: 2024-12-20. Review status: criteria provided, single submitter. Criteria: ACMG Guidelines, 2015. Collection method: clinical testing. Allele origin: germline. Affected: yes.
Comment: ACMG classification criteria: PVS1 strong, PS4 supporting, PM2 supporting

OMIM
Classification: Pathogenic for IMMUNODEFICIENCY 102. Last evaluated: 2022-05-31. Review status: no assertion criteria provided. Collection method: literature only. Allele origin: germline. Not counted in ClinVar's aggregate classification.

Literature cited by the submitters: PubMed 35464398 (cited by OMIM).